The following is an entry in ClinVar:

ClinVar aggregate classification (germline): Uncertain significance (1 of 4 stars; one submission).

Conditions:
Hereditary cancer-predisposing syndrome. Also called: Neoplastic Syndromes, Hereditary; Tumor predisposition; Hereditary Cancer Syndrome; Hereditary neoplastic syndrome. Identifiers: Orphanet 140162, MedGen C0027672, MeSH D009386, MONDO:0015356.

Submission:

Ambry Genetics
Classification: Uncertain significance for Hereditary cancer-predisposing syndrome. Last evaluated: 2021-12-11. Review status: criteria provided, single submitter. Criteria: Ambry Variant Classification Scheme 2023. Collection method: clinical testing. Allele origin: germline.
Comment: The p.C66G variant (also known as c.196T>G), located in coding exon 1 of the HOXB13 gene, results from a T to G substitution at nucleotide position 196. The cysteine at codon 66 is replaced by glycine, an amino acid with highly dissimilar properties. This amino acid position is conserved. In addition, the in silico prediction for this alteration is inconclusive. Since supporting evidence is limited at this time, the clinical significance of this alteration remains unclear.

NM_006361.6(HOXB13):c.196T>G (p.Cys66Gly)

Gene: HOXB13 (homeobox B13; minus strand). Cytogenetic location: 17q21.32.
Variant type: single nucleotide variant.
Coding change: c.196T>G on transcript NM_006361.6 (MANE Select); coding-DNA position 196, T replaced by G.
Protein change: p.Cys66Gly; replaces cysteine 66 with glycine.
Molecular consequence: missense variant.
Genome position (GRCh38, 1-based): chr17:48,728,398, A>C on the plus strand (T>G on the coding strand, the complement: HOXB13 is on the minus strand). VCF-style: chr17-48728398-A-C. GRCh37 (hg19) VCF-style: chr17-46805760-A-C.
Other names: short protein forms C66G.
Identifiers: ClinVar variation 1783599 (VCV001783599.2), dbSNP rs778843798, ClinGen allele CA400107942.
Genomic context (GRCh38, chr17:48,728,398, plus strand): 5'-CGCCTCCAAAGTAACCATAAGGCACGGGAGCTGGGGACGTCCCCTGGGGCACCCCAGGGC[A>C]TGGGTGGCATTGCTTTGGCGGCTCCGCCGAGCCTGGCAGATCCAAGGGGGCATAGTTGAC-3'
Protein context (NP_006352.2, residues 56-76): SAEPPKQCHP[Cys66Gly]PGVPQGTSPA